The following is an entry in ClinVar:

NM_000368.5(TSC1):c.2764C>T (p.Leu922Phe)

Gene: TSC1 (TSC complex subunit 1; minus strand). Cytogenetic location: 9q34.13.
Variant type: single nucleotide variant.
Coding change: c.2764C>T on transcript NM_000368.5 (MANE Select); coding-DNA position 2764, C replaced by T.
Protein change: p.Leu922Phe; replaces leucine 922 with phenylalanine.
Molecular consequence: missense variant.
Genome position (GRCh38, 1-based): chr9:132,897,472, G>A on the plus strand (C>T on the coding strand, the complement: TSC1 is on the minus strand). VCF-style: chr9-132897472-G-A. GRCh37 (hg19) VCF-style: chr9-135772859-G-A.
Other names: c.2761C>T, p.Leu921Phe (NM_001162426.2); c.2611C>T, p.Leu871Phe (NM_001162427.2); c.2401C>T, p.Leu801Phe (NM_001362177.2); short protein forms L921F, L922F, L801F, L871F.
Identifiers: ClinVar variation 954871 (VCV000954871.10), dbSNP rs1011595359, ClinGen allele CA375369182.

ClinVar aggregate classification (germline): Uncertain significance. Review status: criteria provided, multiple submitters, no conflicts (2 of 4 stars). 2 submissions from 2 submitters: Uncertain significance (2). Last evaluated 2025-01-25.

Conditions:
Hereditary cancer-predisposing syndrome. Also called: Hereditary neoplastic syndrome; Tumor predisposition; Neoplastic Syndromes, Hereditary; Hereditary Cancer Syndrome. Identifiers: Orphanet 140162, MedGen C0027672, MeSH D009386, MONDO:0015356.
Tuberous sclerosis 1 (TSC1). Identifiers: Orphanet 805, MedGen C1854465, MONDO:0008612, OMIM 191100.

Submissions (2):

Ambry Genetics
Classification: Uncertain significance for Hereditary cancer-predisposing syndrome. Last evaluated: 2025-01-25. Review status: criteria provided, single submitter. Criteria: Ambry Variant Classification Scheme 2023. Collection method: clinical testing. Allele origin: germline.
Comment: The p.L922F variant (also known as c.2764C>T), located in coding exon 19 of the TSC1 gene, results from a C to T substitution at nucleotide position 2764. The leucine at codon 922 is replaced by phenylalanine, an amino acid with highly similar properties. This amino acid position is conserved. In addition, the in silico prediction for this alteration is inconclusive. Based on the available evidence, the clinical significance of this variant remains unclear.

Labcorp Genetics (formerly Invitae), Labcorp
Classification: Uncertain significance for Tuberous sclerosis 1. Last evaluated: 2023-05-23. Review status: criteria provided, single submitter. Criteria: Invitae Variant Classification Sherloc (09022015). Collection method: clinical testing. Allele origin: germline.
Comment: This sequence change replaces leucine, which is neutral and non-polar, with phenylalanine, which is neutral and non-polar, at codon 922 of the TSC1 protein (p.Leu922Phe). This variant is not present in population databases (gnomAD no frequency). This variant has not been reported in the literature in individuals affected with TSC1-related conditions. ClinVar contains an entry for this variant (Variation ID: 954871). In summary, the available evidence is currently insufficient to determine the role of this variant in disease. Therefore, it has been classified as a Variant of Uncertain Significance. Advanced modeling of protein sequence and biophysical properties (such as structural, functional, and spatial information, amino acid conservation, physicochemical variation, residue mobility, and thermodynamic stability) performed at Invitae indicates that this missense variant is not expected to disrupt TSC1 protein function.